The following is an entry in ClinVar:

ClinVar aggregate classification (germline): Likely benign. Review status: criteria provided, single submitter (1 of 4 stars). 2 submissions from 2 submitters: Likely benign (1). 1 of the submissions does not count toward it. Last evaluated 2021-07-31.

Conditions:
ABCC6-related disorder. Also called: ABCC6-related condition.

Allele frequency attached by ClinVar (database versions not stated): gnomAD exomes below 0.00001; gnomAD 0.00001; TOPMed 0.00002.
gnomAD v4.1: 6 of 1,613,766 alleles (0.00037%); highest among the groups gnomAD compares: Middle Eastern, 0.049%; no homozygotes.

Submissions (2):

Labcorp Genetics (formerly Invitae), Labcorp
Classification: Likely benign. Last evaluated: 2021-07-31. Review status: criteria provided, single submitter. Criteria: Invitae Variant Classification Sherloc (09022015). Collection method: clinical testing. Allele origin: germline.

PreventionGenetics, part of Exact Sciences
Classification: Likely benign for ABCC6-related condition. Last evaluated: 2024-09-10. Review status: no assertion criteria provided. Collection method: clinical testing. Allele origin: germline. Not counted in ClinVar's aggregate classification.
Comment: This variant is classified as likely benign based on ACMG/AMP sequence variant interpretation guidelines (Richards et al. 2015 PMID: 25741868, with internal and published modifications).

NM_001171.6(ABCC6):c.3414G>C (p.Arg1138=)

Gene: ABCC6 (ATP binding cassette subfamily C member 6; minus strand). Cytogenetic location: 16p13.11.
Variant type: single nucleotide variant.
Coding change: c.3414G>C on transcript NM_001171.6 (MANE Select); coding-DNA position 3414, G replaced by C.
Protein change: p.Arg1138=; no amino-acid change (arginine 1138 retained).
Molecular consequence: synonymous variant.
Genome position (GRCh38, 1-based): chr16:16,163,085, C>G on the plus strand (G>C on the coding strand, the complement: ABCC6 is on the minus strand). VCF-style: chr16-16163085-C-G. GRCh37 (hg19) VCF-style: chr16-16256942-C-G.
Other names: c.3072G>C, p.Arg1024= (NM_001351800.1); c.3414G>C (NM_001171.5).
Identifiers: ClinVar variation 1573659 (VCV001573659.9), dbSNP rs1218312833, ClinGen allele CA493799053.
Genomic context (GRCh38, chr16:16,163,085, plus strand): 5'-CTGGCTTTCATCTACGCGAGCATTGTTCTGAGCCACAAAGGGGGCCTGGGTTCGGAATGC[C>G]CGGACCACTGTGCTGCCCTGGAACGTCTCAGCCATGTGGGAGCAGACAGACGAGTAGCTG-3'
Protein context (NP_001162.5, residues 1128-1148): AETFQGSTVV[Arg1138=]AFRTQAPFVA